The following is an entry in ClinVar:

ClinVar aggregate classification (germline): Conflicting classifications of pathogenicity. Review status: criteria provided, conflicting classifications (1 of 4 stars). 3 submissions from 3 submitters: Uncertain significance (1); Likely benign (1). 1 of the submissions does not count toward it. Last evaluated 2022-06-13.

Conditions:
HDAC4-related disorder. Also called: HDAC4-related condition.

Allele frequency attached by ClinVar (database versions not stated): gnomAD exomes 0.00008; ExAC 0.00011; gnomAD 0.00034 and 0.00036; TOPMed 0.00038; 1000 Genomes Project 0.00040; ESP Exome Variant Server 0.00046; 1000 Genomes Project 30x 0.00062.
gnomAD v4.1: 122 of 1,613,938 alleles (0.0076%); highest among the groups gnomAD compares: African/African-American, 0.13%; no homozygotes.

Submissions (3):

Labcorp Genetics (formerly Invitae), Labcorp
Classification: Likely benign. Last evaluated: 2022-06-13. Review status: criteria provided, single submitter. Criteria: Invitae Variant Classification Sherloc (09022015). Collection method: clinical testing. Allele origin: germline.

Eurofins Ntd Llc (ga)
Classification: Uncertain significance. Last evaluated: 2016-02-23. Review status: criteria provided, single submitter. Criteria: EGL Classification Definitions 2015. Collection method: clinical testing. Allele origin: germline. Observed: 1 variant allele, 1 heterozygote.

PreventionGenetics, part of Exact Sciences
Classification: Likely benign for HDAC4-related condition. Last evaluated: 2020-01-06. Review status: no assertion criteria provided. Collection method: clinical testing. Allele origin: germline. Not counted in ClinVar's aggregate classification.
Comment: This variant is classified as likely benign based on ACMG/AMP sequence variant interpretation guidelines (Richards et al. 2015 PMID: 25741868, with internal and published modifications).

NM_001378414.1(HDAC4):c.2190G>A (p.Thr730=)

Gene: HDAC4 (histone deacetylase 4; minus strand). Cytogenetic location: 2q37.3.
Variant type: single nucleotide variant.
Coding change: c.2190G>A on transcript NM_001378414.1 (MANE Select); coding-DNA position 2190, G replaced by A.
Protein change: p.Thr730=; no amino-acid change (threonine 730 retained).
Molecular consequence: synonymous variant.
Genome position (GRCh38, 1-based): chr2:239,102,819, C>T on the plus strand (G>A on the coding strand, the complement: HDAC4 is on the minus strand). VCF-style: chr2-239102819-C-T. GRCh37 (hg19) VCF-style: chr2-240024515-C-T.
Other names: c.2190G>A, p.Thr730= (NM_001378415.1); c.2175G>A, p.Thr725= (NM_001378416.1, NM_001378417.1, NM_006037.4); c.2175G>A (NM_006037.3).
Identifiers: ClinVar variation 286084 (VCV000286084.14), dbSNP rs149067286, ClinGen allele CA2199546.